The following is an entry in ClinVar:

NM_170707.4(LMNA):c.1764C>T (p.Cys588=)

Gene: LMNA (lamin A/C; plus strand). Cytogenetic location: 1q22.
Variant type: single nucleotide variant.
Coding change: c.1764C>T on transcript NM_170707.4 (MANE Select); coding-DNA position 1764, C replaced by T.
Protein change: p.Cys588=; no amino-acid change (cysteine 588 retained).
Molecular consequence: synonymous variant.
Genome position (GRCh38, 1-based): chr1:156,138,553, C>T. VCF-style: chr1-156138553-C-T. GRCh37 (hg19) VCF-style: chr1-156108344-C-T.
Other names: c.1428C>T, p.Cys476= (NM_001257374.3); c.1764C>T, p.Cys588= (NM_001282626.2); c.1674C>T, p.Cys558= (NM_170708.4).
Identifiers: ClinVar variation 424917 (VCV000424917.52), dbSNP rs759016336, ClinGen allele CA051286.

ClinVar aggregate classification (germline): Conflicting classifications of pathogenicity. Review status: criteria provided, conflicting classifications (1 of 4 stars). 5 submissions from 5 submitters: Uncertain significance (1); Likely benign (4). Last evaluated 2025-08-31.

Conditions:
Cardiovascular phenotype. Identifiers: MedGen CN230736.
Charcot-Marie-Tooth disease type 2. Also called: Charcot-Marie-Tooth type 2. Identifiers: Orphanet 64746, MedGen C0270914, MONDO:0018993.
Primary dilated cardiomyopathy (DCM). Also called: Dilated Cardiomyopathy. Identifiers: Orphanet 217604, MedGen C0007193, MeSH D002311, MONDO:0005021, HP:0001644. Inheritance: Various modes of inheritance.

Allele frequency attached by ClinVar (database versions not stated): gnomAD exomes 0.00005 and 0.00002; TOPMed below 0.00001; gnomAD 0.00001; ExAC 0.00005.

Submissions (5):

Labcorp Genetics (formerly Invitae), Labcorp
Classification: Likely benign for Charcot-Marie-Tooth disease type 2. Last evaluated: 2025-08-31. Review status: criteria provided, single submitter. Criteria: Invitae Variant Classification Sherloc (09022015). Collection method: clinical testing. Allele origin: germline.

All of Us Research Program, National Institutes of Health
Classification: Likely benign for Primary dilated cardiomyopathy. Last evaluated: 2024-04-16. Review status: criteria provided, single submitter. Criteria: ACMG Guidelines, 2015. Collection method: clinical testing. Allele origin: germline. Inheritance: Autosomal dominant inheritance. Observed: 1 variant allele, 1 heterozygote.
Comment: This study involves interpretation of variants in research participants for the purpose of population health screening. Participant phenotype was not available at the time of variant classification. Additional details can be found in publication PMID: 35346344, PMCID: PMC8962531

GeneDx
Classification: Likely benign. Last evaluated: 2020-01-10. Review status: criteria provided, single submitter. Criteria: GeneDx Variant Classification Process June 2021. Collection method: clinical testing. Allele origin: germline. Affected: yes.

Ambry Genetics
Classification: Likely benign for Cardiovascular phenotype. Last evaluated: 2019-07-11. Review status: criteria provided, single submitter. Criteria: Ambry Variant Classification Scheme 2023. Collection method: clinical testing. Allele origin: germline.

CeGaT Center for Human Genetics Tuebingen
Classification: Uncertain significance. Last evaluated: 2016-09-01. Review status: criteria provided, single submitter. Criteria: CeGaT Center For Human Genetics Tuebingen Variant Classification Criteria Version 2. Collection method: clinical testing. Allele origin: germline. Affected: yes. Observed: 1 variant allele.